The following is an entry in ClinVar:

NM_003560.4(PLA2G6):c.*589C>G

Gene: PLA2G6 (phospholipase A2 group VI; minus strand). Cytogenetic location: 22q13.1.
Variant type: single nucleotide variant.
Coding change: c.*589C>G on transcript NM_003560.4 (MANE Select); 589 bases downstream of the stop codon, C replaced by G.
Molecular consequence: 3 prime UTR variant.
Genome position (GRCh38, 1-based): chr22:38,111,572, G>C on the plus strand (C>G on the coding strand, the complement: PLA2G6 is on the minus strand). VCF-style: chr22-38111572-G-C. GRCh37 (hg19) VCF-style: chr22-38507579-G-C.
Other names: c.*589C>G (NM_001004426.3, NM_001199562.3, NM_001349864.2 and 5 more transcripts).
Identifiers: ClinVar variation 341624 (VCV000341624.5), dbSNP rs11570771, ClinGen allele CA10651301.

ClinVar aggregate classification (germline): Likely benign (1 of 4 stars; one submission).

Conditions:
PLA2G6-associated neurodegeneration (PLAN). Also called: phospholipase A2-associated neurodegeneration. Identifiers: Orphanet 329303, MedGen CN204472, MONDO:0017998.

Allele frequency attached by ClinVar (database versions not stated): gnomAD exomes 0.01047; gnomAD 0.01112; 1000 Genomes Project 30x 0.00453; 1000 Genomes Project 0.00499; TOPMed 0.00894.
gnomAD v4.1: 1,699 of 169,418 alleles (1%); highest among the groups gnomAD compares: Non-Finnish European, 1.6%; 17 homozygotes.

Submission:

Illumina Laboratory Services, Illumina
Classification: Likely benign for PLA2G6-associated neurodegeneration. Last evaluated: 2018-01-12. Review status: criteria provided, single submitter. Criteria: ICSL Variant Classification Criteria 13 December 2019. Collection method: clinical testing. Allele origin: germline.
Comment: This variant was observed in the ICSL laboratory as part of a predisposition screen in an ostensibly healthy population. It had not been previously curated by ICSL or reported in the Human Gene Mutation Database (HGMD: prior to June 1st, 2018), and was therefore a candidate for classification through an automated scoring system. Utilizing variant allele frequency, disease prevalence and penetrance estimates, and inheritance mode, an automated score was calculated to assess if this variant is too frequent to cause the disease. Based on the score and internal cut-off values, a variant classified as likely benign is not then subjected to further curation. The score for this variant resulted in a classification of likely benign for this disease.